The following is an entry in ClinVar:

ClinVar aggregate classification (germline): Likely benign (0 of 4 stars; one submission).

Conditions:
AMBN-related disorder. Also called: AMBN-related condition.

Allele frequency attached by ClinVar (database versions not stated): ExAC 0.00006; TOPMed 0.00006; gnomAD 0.00009; 1000 Genomes Project 30x 0.00062; 1000 Genomes Project 0.00080.
gnomAD v4.1: 70 of 1,547,204 alleles (0.0045%); highest among the groups gnomAD compares: East Asian, 0.039%; 1 homozygote.

Submission:

PreventionGenetics, part of Exact Sciences
Classification: Likely benign for AMBN-related condition. Last evaluated: 2019-07-11. Review status: no assertion criteria provided. Collection method: clinical testing. Allele origin: germline.
Comment: This variant is classified as likely benign based on ACMG/AMP sequence variant interpretation guidelines (Richards et al. 2015 PMID: 25741868, with internal and published modifications).

NM_016519.6(AMBN):c.532-9G>C

Gene: AMBN (ameloblastin; plus strand). Cytogenetic location: 4q13.3.
Variant type: single nucleotide variant.
Coding change: c.532-9G>C on transcript NM_016519.6 (MANE Select); 9 bases into the intron before coding-DNA position 532, G replaced by C.
Molecular consequence: intron variant.
Genome position (GRCh38, 1-based): chr4:70,602,615, G>C. VCF-style: chr4-70602615-G-C. GRCh37 (hg19) VCF-style: chr4-71468332-G-C.
Identifiers: ClinVar variation 3050454 (VCV003050454.2), dbSNP rs374742197, ClinGen allele CA2951382.